The following is an entry in ClinVar:

NM_003384.3(VRK1):c.175T>G (p.Ser59Ala)

Gene: VRK1 (VRK serine/threonine kinase 1; plus strand). Cytogenetic location: 14q32.2.
Variant type: single nucleotide variant.
Coding change: c.175T>G on transcript NM_003384.3 (MANE Select); coding-DNA position 175, T replaced by G.
Protein change: p.Ser59Ala; replaces serine 59 with alanine.
Molecular consequence: missense variant.
Genome position (GRCh38, 1-based): chr14:96,837,776, T>G. VCF-style: chr14-96837776-T-G. GRCh37 (hg19) VCF-style: chr14-97304113-T-G.
Other names: short protein forms S59A.
Identifiers: ClinVar variation 281245 (VCV000281245.60), dbSNP rs61736727, ClinGen allele CA7338879.

ClinVar aggregate classification (germline): Conflicting classifications of pathogenicity. Review status: criteria provided, conflicting classifications (1 of 4 stars). 6 submissions from 6 submitters: Uncertain significance (1); Likely benign (4). 1 of the submissions does not count toward it. Last evaluated 2026-01-25.

Conditions:
VRK1-related disorder. Also called: VRK1-related condition.
Inborn genetic diseases. Identifiers: MedGen C0950123, MeSH D030342.
Pontocerebellar hypoplasia type 1A (PCH1A). Also called: PONTOCEREBELLAR HYPOPLASIA WITH ANTERIOR HORN CELL DISEASE; PONTOCEREBELLAR HYPOPLASIA WITH INFANTILE SPINAL MUSCULAR ATROPHY. Identifiers: Orphanet 2254, Orphanet 88616, MedGen C1843504, MONDO:0011866, OMIM 607596.

Allele frequency attached by ClinVar (database versions not stated): gnomAD exomes 0.00010 and 0.00019; ExAC 0.00031; 1000 Genomes Project 30x 0.00047; 1000 Genomes Project 0.00060; gnomAD 0.00091 and 0.00098; TOPMed 0.00111; ESP Exome Variant Server 0.00146.
gnomAD v4.1: 287 of 1,567,144 alleles (0.018%); highest among the groups gnomAD compares: African/African-American, 0.36%; no homozygotes.

Submissions (6):

Labcorp Genetics (formerly Invitae), Labcorp
Classification: Likely benign for Pontocerebellar hypoplasia type 1A. Last evaluated: 2026-01-25. Review status: criteria provided, single submitter. Criteria: Invitae Variant Classification Sherloc (09022015). Collection method: clinical testing. Allele origin: germline.

PreventionGenetics, part of Exact Sciences
Classification: Likely benign for VRK1-related condition. Last evaluated: 2025-04-01. Review status: criteria provided, single submitter. Criteria: ACMG Guidelines, 2015. Collection method: clinical testing. Allele origin: germline.
Comment: This variant is classified as likely benign based on ACMG/AMP sequence variant interpretation guidelines (Richards et al. 2015 PMID: 25741868, with internal and published modifications).

Ambry Genetics
Classification: Likely benign for Inborn genetic diseases. Last evaluated: 2021-03-27. Review status: criteria provided, single submitter. Criteria: Ambry Variant Classification Scheme 2023. Collection method: clinical testing. Allele origin: germline.

GeneDx
Classification: Likely benign. Last evaluated: 2019-02-20. Review status: criteria provided, single submitter. Criteria: GeneDx Variant Classification Process June 2021. Collection method: clinical testing. Allele origin: germline. Affected: yes.

Eurofins Ntd Llc (ga)
Classification: Uncertain significance. Last evaluated: 2016-02-17. Review status: criteria provided, single submitter. Criteria: EGL Classification Definitions 2015. Collection method: clinical testing. Allele origin: germline. Observed: 2 variant alleles, 2 heterozygotes.

Natera, Inc.
Classification: Uncertain significance for Pontocerebellar hypoplasia, type 1a. Last evaluated: 2020-01-24. Review status: no assertion criteria provided. Collection method: clinical testing. Allele origin: germline. Not counted in ClinVar's aggregate classification.